The following is an entry in ClinVar:

NM_001354483.2(CSGALNACT1):c.1201G>T (p.Ala401Ser)

Gene: CSGALNACT1 (chondroitin sulfate N-acetylgalactosaminyltransferase 1; minus strand). Cytogenetic location: 8p21.3.
Variant type: single nucleotide variant.
Coding change: c.1201G>T on transcript NM_001354483.2 (MANE Select); coding-DNA position 1201, G replaced by T.
Protein change: p.Ala401Ser; replaces alanine 401 with serine.
Molecular consequence: missense variant. On other transcripts: non-coding transcript variant (7).
Genome position (GRCh38, 1-based): chr8:19,418,682, C>A on the plus strand (G>T on the coding strand, the complement: CSGALNACT1 is on the minus strand). VCF-style: chr8-19418682-C-A. GRCh37 (hg19) VCF-style: chr8-19276193-C-A.
Other names: c.1201G>T (NM_001130518.1); c.1201G>T, p.Ala401Ser (NM_001130518.2, NM_001354475.2, NM_001354476.2 and 18 more transcripts); short protein forms A401S.
Identifiers: ClinVar variation 1430737 (VCV001430737.10), dbSNP rs763729182, ClinGen allele CA4653867.

ClinVar aggregate classification (germline): Uncertain significance. Review status: criteria provided, multiple submitters, no conflicts (2 of 4 stars). 2 submissions from 2 submitters: Uncertain significance (2). Last evaluated 2025-09-02.

Conditions:
Inborn genetic diseases. Identifiers: MedGen C0950123, MeSH D030342.

Allele frequency attached by ClinVar (database versions not stated): gnomAD exomes below 0.00001; ExAC 0.00001; TOPMed 0.00001.
gnomAD v4.1: 1 of 1,613,164 alleles (0.000062%); highest among the groups gnomAD compares: Non-Finnish European, 0.000085%; no homozygotes.

Submissions (2):

Labcorp Genetics (formerly Invitae), Labcorp
Classification: Uncertain significance. Last evaluated: 2025-09-02. Review status: criteria provided, single submitter. Criteria: Invitae Variant Classification Sherloc (09022015). Collection method: clinical testing. Allele origin: germline.
Comment: This sequence change replaces alanine, which is neutral and non-polar, with serine, which is neutral and polar, at codon 401 of the CSGALNACT1 protein (p.Ala401Ser). This variant is present in population databases (rs763729182, gnomAD 0.0009%). This variant has not been reported in the literature in individuals affected with CSGALNACT1-related conditions. ClinVar contains an entry for this variant (Variation ID: 1430737). An algorithm developed to predict the effect of missense changes on protein structure and function outputs the following: PolyPhen-2: "Benign". The serine amino acid residue is found in multiple mammalian species, which suggests that this missense change does not adversely affect protein function. In summary, the available evidence is currently insufficient to determine the role of this variant in disease. Therefore, it has been classified as a Variant of Uncertain Significance.

Ambry Genetics
Classification: Uncertain significance for Inborn genetic diseases. Last evaluated: 2024-11-13. Review status: criteria provided, single submitter. Criteria: Ambry Variant Classification Scheme 2023. Collection method: clinical testing. Allele origin: germline.